The following is an entry in ClinVar:

ClinVar aggregate classification (germline): Uncertain significance (1 of 4 stars; one submission).

Allele frequency attached by ClinVar (database versions not stated): gnomAD exomes below 0.00001; TOPMed below 0.00001; gnomAD 0.00002.
gnomAD v4.1: 4 of 1,533,834 alleles (0.00026%); highest among the groups gnomAD compares: African/African-American, 0.0027%; no homozygotes.

Submission:

Labcorp Genetics (formerly Invitae), Labcorp
Classification: Uncertain significance. Last evaluated: 2022-07-26. Review status: criteria provided, single submitter. Criteria: Invitae Variant Classification Sherloc (09022015). Collection method: clinical testing. Allele origin: germline.
Comment: This sequence change replaces glycine, which is neutral and non-polar, with arginine, which is basic and polar, at codon 673 of the PDZD7 protein (p.Gly673Arg). This variant is present in population databases (no rsID available, gnomAD 0.01%). This variant has not been reported in the literature in individuals affected with PDZD7-related conditions. ClinVar contains an entry for this variant (Variation ID: 1439191). Algorithms developed to predict the effect of missense changes on protein structure and function are either unavailable or do not agree on the potential impact of this missense change (SIFT: "Deleterious"; PolyPhen-2: "Not Available"; Align-GVGD: "Class C0"). In summary, the available evidence is currently insufficient to determine the role of this variant in disease. Therefore, it has been classified as a Variant of Uncertain Significance.

NM_001195263.2(PDZD7):c.2017G>C (p.Gly673Arg)

Gene: PDZD7 (PDZ domain containing 7; minus strand). Cytogenetic location: 10q24.31.
Variant type: single nucleotide variant.
Coding change: c.2017G>C on transcript NM_001195263.2 (MANE Select); coding-DNA position 2017, G replaced by C.
Protein change: p.Gly673Arg; replaces glycine 673 with arginine.
Molecular consequence: missense variant.
Genome position (GRCh38, 1-based): chr10:101,010,872, C>G on the plus strand (G>C on the coding strand, the complement: PDZD7 is on the minus strand). VCF-style: chr10-101010872-C-G. GRCh37 (hg19) VCF-style: chr10-102770629-C-G.
Other names: short protein forms G673R.
Identifiers: ClinVar variation 1439191 (VCV001439191.5), dbSNP rs1411305662, ClinGen allele CA378225496.